The following is an entry in ClinVar:

NM_001286.5(CLCN6):c.1067A>G (p.Lys356Arg)

Gene: CLCN6 (Cl-/H+ antiporter 6; plus strand). Cytogenetic location: 1p36.22.
Variant type: single nucleotide variant.
Coding change: c.1067A>G on transcript NM_001286.5 (MANE Select); coding-DNA position 1067, A replaced by G.
Protein change: p.Lys356Arg; replaces lysine 356 with arginine.
Molecular consequence: missense variant. On other transcripts: non-coding transcript variant (1).
Genome position (GRCh38, 1-based): chr1:11,828,570, A>G. VCF-style: chr1-11828570-A-G. GRCh37 (hg19) VCF-style: chr1-11888627-A-G.
Other names: c.1001A>G, p.Lys334Arg (NM_001256959.2); short protein forms K334R, K356R.
Identifiers: ClinVar variation 2780195 (VCV002780195.3), dbSNP rs1404616873, ClinGen allele CA338430553.

ClinVar aggregate classification (germline): Uncertain significance (1 of 4 stars; one submission).

Allele frequency attached by ClinVar (database versions not stated): gnomAD 0.00001; gnomAD exomes 0.00001.
gnomAD v4.1: 6 of 1,614,022 alleles (0.00037%); highest among the groups gnomAD compares: Admixed American, 0.0033%; no homozygotes.

Submission:

Labcorp Genetics (formerly Invitae), Labcorp
Classification: Uncertain significance. Last evaluated: 2025-03-10. Review status: criteria provided, single submitter. Criteria: Invitae Variant Classification Sherloc (09022015). Collection method: clinical testing. Allele origin: germline.
Comment: This sequence change replaces lysine, which is basic and polar, with arginine, which is basic and polar, at codon 356 of the CLCN6 protein (p.Lys356Arg). This variant is present in population databases (no rsID available, gnomAD 0.0009%). This variant has not been reported in the literature in individuals affected with CLCN6-related conditions. ClinVar contains an entry for this variant (Variation ID: 2780195). An algorithm developed to predict the effect of missense changes on protein structure and function (PolyPhen-2) suggests that this variant is likely to be tolerated. In summary, the available evidence is currently insufficient to determine the role of this variant in disease. Therefore, it has been classified as a Variant of Uncertain Significance.